The following is an entry in ClinVar:

ClinVar aggregate classification (germline): Uncertain significance. Review status: criteria provided, multiple submitters, no conflicts (2 of 4 stars). 2 submissions from 2 submitters: Uncertain significance (2). Last evaluated 2024-08-10.

Submissions (2):

Ambry Genetics
Classification: Uncertain significance. Last evaluated: 2024-08-10. Review status: criteria provided, single submitter. Criteria: Ambry Variant Classification Scheme 2023. Collection method: clinical testing. Allele origin: germline.

Labcorp Genetics (formerly Invitae), Labcorp
Classification: Uncertain significance. Last evaluated: 2024-02-12. Review status: criteria provided, single submitter. Criteria: Invitae Variant Classification Sherloc (09022015). Collection method: clinical testing. Allele origin: germline.
Comment: This sequence change replaces valine, which is neutral and non-polar, with methionine, which is neutral and non-polar, at codon 276 of the CRAT protein (p.Val276Met). This variant is present in population databases (rs774567985, gnomAD 0.01%). This variant has not been reported in the literature in individuals affected with CRAT-related conditions. Advanced modeling of protein sequence and biophysical properties (such as structural, functional, and spatial information, amino acid conservation, physicochemical variation, residue mobility, and thermodynamic stability) performed at Invitae indicates that this missense variant is not expected to disrupt CRAT protein function with a negative predictive value of 80%. In summary, the available evidence is currently insufficient to determine the role of this variant in disease. Therefore, it has been classified as a Variant of Uncertain Significance.

NM_000755.5(CRAT):c.826G>A (p.Val276Met)

Gene: CRAT (carnitine O-acetyltransferase; minus strand). Cytogenetic location: 9q34.11.
Variant type: single nucleotide variant.
Coding change: c.826G>A on transcript NM_000755.5 (MANE Select); coding-DNA position 826, G replaced by A.
Protein change: p.Val276Met; replaces valine 276 with methionine.
Molecular consequence: missense variant.
Genome position (GRCh38, 1-based): chr9:129,100,669, C>T on the plus strand (G>A on the coding strand, the complement: CRAT is on the minus strand). VCF-style: chr9-129100669-C-T. GRCh37 (hg19) VCF-style: chr9-131862948-C-T.
Other names: c.763G>A, p.Val255Met (NM_001257363.3, NM_001346548.2, NM_004003.4); c.829G>A, p.Val277Met (NM_001346546.2); c.826G>A, p.Val276Met (NM_001346547.2); c.706G>A, p.Val236Met (NM_001346549.2); short protein forms V236M, V255M, V276M, V277M.
Identifiers: ClinVar variation 3496896 (VCV003496896.3).